The following is an entry in ClinVar:

ClinVar aggregate classification (germline): Uncertain significance (1 of 4 stars; one submission).

Conditions:
POLD1-related polyposis and colorectal cancer syndrome (CRCS10). Also called: Colorectal cancer 10; COLORECTAL CANCER, SUSCEPTIBILITY TO, ON CHROMOSOME 19q; Colorectal cancer, susceptibility to, 10. Identifiers: Orphanet 220460, MedGen C2675481, MONDO:0012953, OMIM 612591.

Submission:

Labcorp Genetics (formerly Invitae), Labcorp
Classification: Uncertain significance for POLD1-related polyposis and colorectal cancer syndrome. Last evaluated: 2025-01-28. Review status: criteria provided, single submitter. Criteria: Invitae Variant Classification Sherloc (09022015). Collection method: clinical testing. Allele origin: germline.
Comment: This sequence change replaces phenylalanine, which is neutral and non-polar, with leucine, which is neutral and non-polar, at codon 350 of the POLD1 protein (p.Phe350Leu). This variant is not present in population databases (gnomAD no frequency). This variant has not been reported in the literature in individuals affected with POLD1-related conditions. ClinVar contains an entry for this variant (Variation ID: 963520). Invitae Evidence Modeling of protein sequence and biophysical properties (such as structural, functional, and spatial information, amino acid conservation, physicochemical variation, residue mobility, and thermodynamic stability) indicates that this missense variant is not expected to disrupt POLD1 protein function with a negative predictive value of 80%. In summary, the available evidence is currently insufficient to determine the role of this variant in disease. Therefore, it has been classified as a Variant of Uncertain Significance.

NM_002691.4(POLD1):c.1048T>C (p.Phe350Leu)

Gene: POLD1 (DNA polymerase delta 1, catalytic subunit; plus strand). Cytogenetic location: 19q13.33.
Variant type: single nucleotide variant.
Coding change: c.1048T>C on transcript NM_002691.4 (MANE Select); coding-DNA position 1048, T replaced by C.
Protein change: p.Phe350Leu; replaces phenylalanine 350 with leucine.
Molecular consequence: missense variant. On other transcripts: non-coding transcript variant (1).
Genome position (GRCh38, 1-based): chr19:50,403,130, T>C. VCF-style: chr19-50403130-T-C. GRCh37 (hg19) VCF-style: chr19-50906387-T-C.
Other names: c.1048T>C, p.Phe350Leu (NM_001256849.1, NM_001308632.1); short protein forms F350L.
Identifiers: ClinVar variation 963520 (VCV000963520.9), dbSNP rs2038726190, ClinGen allele CA406978147.